The following is an entry in ClinVar:

NM_022051.3(EGLN1):c.138C>G (p.His46Gln)

Gene: EGLN1 (egl-9 family hypoxia inducible factor 1; minus strand). Cytogenetic location: 1q42.2.
Variant type: single nucleotide variant.
Coding change: c.138C>G on transcript NM_022051.3 (MANE Select); coding-DNA position 138, C replaced by G.
Protein change: p.His46Gln; replaces histidine 46 with glutamine.
Molecular consequence: missense variant.
Genome position (GRCh38, 1-based): chr1:231,421,751, G>C on the plus strand (C>G on the coding strand, the complement: EGLN1 is on the minus strand). VCF-style: chr1-231421751-G-C. GRCh37 (hg19) VCF-style: chr1-231557497-G-C.
Other names: c.138C>G, p.His46Gln (NM_001377260.1, NM_001377261.1); short protein forms H46Q.
Identifiers: ClinVar variation 1771497 (VCV001771497.2), dbSNP rs1240228573, ClinGen allele CA345238948.
Genomic context (GRCh38, chr1:231,421,751, plus strand): 5'-GCCGAGGGCGCCCTCGCTGCCCTGGCACACGAGCTTGTGCTTCTTCCAGTCCTGACGCTG[G>C]TGCTCCTTGCAGCAGTAGAAGGAGCTGCGGCAGCGGCTGCAGCGCAGCAGGTTCTCCATC-3'
Protein context (NP_071334.1, residues 36-56): CRSSFYCCKE[His46Gln]QRQDWKKHKL

ClinVar aggregate classification (germline): Uncertain significance (1 of 4 stars; one submission).

Submission:

Ambry Genetics
Classification: Uncertain significance. Last evaluated: 2022-09-12. Review status: criteria provided, single submitter. Criteria: Ambry Variant Classification Scheme 2023. Collection method: clinical testing. Allele origin: germline.
Comment: The p.H46Q variant (also known as c.138C>G), located in coding exon 1 of the EGLN1 gene, results from a C to G substitution at nucleotide position 138. The histidine at codon 46 is replaced by glutamine, an amino acid with highly similar properties. This amino acid position is conserved. In addition, the in silico prediction for this alteration is inconclusive. Since supporting evidence is limited at this time, the clinical significance of this alteration remains unclear.